The following is an entry in ClinVar:

NM_000303.3(PMM2):c.448-20dup

Gene: PMM2 (phosphomannomutase 2; plus strand). Cytogenetic location: 16p13.2.
Variant type: Duplication.
Coding change: c.448-20dup on transcript NM_000303.3 (MANE Select); 20 bases into the intron before coding-DNA position 448, one base duplicated (T; older notation c.448-20dupT).
Molecular consequence: intron variant.
Genome position (GRCh38, 1-based): chr16:8,811,618, T duplicated. VCF-style (leftmost placement, unchanged base first): chr16-8811617-G-GT. GRCh37 (hg19) VCF-style: chr16-8905474-G-GT.
Other names: c.448-20dupT (NM_000303.2).
Identifiers: ClinVar variation 513967 (VCV000513967.1), dbSNP rs1555449656, ClinGen allele CA658798540.

ClinVar aggregate classification (germline): Likely benign (1 of 4 stars; one submission).

Allele frequency attached by ClinVar (database versions not stated): TOPMed below 0.00001.

Submission:

GeneDx
Classification: Likely benign. Last evaluated: 2017-12-27. Review status: criteria provided, single submitter. Criteria: GeneDx Variant Classification (06012015). Collection method: clinical testing. Allele origin: germline. Affected: yes.
Comment: This variant is considered likely benign or benign based on one or more of the following criteria: it is a conservative change, it occurs at a poorly conserved position in the protein, it is predicted to be benign by multiple in silico algorithms, and/or has population frequency not consistent with disease.